The following is an entry in ClinVar:

ClinVar aggregate classification (germline): Benign (0 of 4 stars; one submission).

Conditions:
AGAP2-related disorder. Also called: AGAP2-related condition.

Allele frequency attached by ClinVar (database versions not stated): 1000 Genomes Project 30x 0.00141; 1000 Genomes Project 0.00160; ExAC 0.00229; gnomAD 0.00251; TOPMed 0.00253; ESP Exome Variant Server 0.00269; gnomAD exomes 0.00476.
gnomAD v4.1: 7,363 of 1,614,146 alleles (0.46%); highest among the groups gnomAD compares: Non-Finnish European, 0.56%; 22 homozygotes.

Submission:

PreventionGenetics, part of Exact Sciences
Classification: Benign for AGAP2-related condition. Last evaluated: 2019-05-08. Review status: no assertion criteria provided. Collection method: clinical testing. Allele origin: germline.
Comment: This variant is classified as benign based on ACMG/AMP sequence variant interpretation guidelines (Richards et al. 2015 PMID: 25741868, with internal and published modifications).

NM_001122772.3(AGAP2):c.1312G>C (p.Glu438Gln)

Genes: AGAP2 (ArfGAP with GTPase domain, ankyrin repeat and PH domain 2; minus strand), LOC126861542 (CDK7 strongly-dependent group 2 enhancer GRCh37_chr12:58127413-58128612; plus strand). Cytogenetic location: 12q14.1.
Variant type: single nucleotide variant.
Coding change: c.1312G>C on transcript NM_001122772.3 (MANE Select); coding-DNA position 1312, G replaced by C.
Protein change: p.Glu438Gln; replaces glutamic acid 438 with glutamine.
Molecular consequence: missense variant.
Genome position (GRCh38, 1-based): chr12:57,734,595, C>G on the plus strand (G>C on the coding strand, the complement: AGAP2 is on the minus strand). VCF-style: chr12-57734595-C-G. GRCh37 (hg19) VCF-style: chr12-58128378-C-G.
Other names: c.304G>C, p.Glu102Gln (NM_014770.4); short protein forms E102Q, E438Q.
Identifiers: ClinVar variation 3042080 (VCV003042080.2), dbSNP rs35567553, ClinGen allele CA6657154.